The following is an entry in ClinVar:

NM_002474.3(MYH11):c.2059-1G>A

Gene: MYH11 (myosin heavy chain 11; minus strand). Cytogenetic location: 16p13.11.
Variant type: single nucleotide variant.
Coding change: c.2059-1G>A on transcript NM_002474.3 (MANE Select); the canonical splice acceptor site of the intron before coding-DNA position 2059, G replaced by A.
Molecular consequence: splice acceptor variant.
Genome position (GRCh38, 1-based): chr16:15,748,169, C>T on the plus strand (G>A on the coding strand, the complement: MYH11 is on the minus strand). VCF-style: chr16-15748169-C-T. GRCh37 (hg19) VCF-style: chr16-15842026-C-T.
Other names: c.2059-1G>A (NM_022844.3); c.2080-1G>A (NM_001040114.2, NM_001040113.2).
Identifiers: ClinVar variation 2563065 (VCV002563065.4), dbSNP rs2041472207, ClinGen allele CA394868310.

ClinVar aggregate classification (germline): Conflicting classifications of pathogenicity. Review status: criteria provided, conflicting classifications (1 of 4 stars). 3 submissions from 3 submitters: Likely pathogenic (1); Uncertain significance (2). Last evaluated 2025-08-06.

Conditions:
Familial thoracic aortic aneurysm and aortic dissection (TAAD). Also called: Thoracic aortic aneurysms and dissections. Identifiers: Orphanet 91387, MedGen C4707243, MONDO:0019625.
Aortic aneurysm, familial thoracic 4 (AAT4). Also called: AORTIC ANEURYSM/AORTIC DISSECTION AND PATENT DUCTUS ARTERIOSUS. Identifiers: MedGen C1851504, MONDO:0007568, OMIM 132900.

Allele frequency attached by ClinVar (database versions not stated): gnomAD exomes below 0.00001; gnomAD 0.00001.
gnomAD v4.1: 6 of 1,613,518 alleles (0.00037%); highest among the groups gnomAD compares: Admixed American, 0.0017%; no homozygotes.

Submissions (3):

Labcorp Genetics (formerly Invitae), Labcorp
Classification: Likely pathogenic for Aortic aneurysm, familial thoracic 4. Last evaluated: 2025-08-06. Review status: criteria provided, single submitter. Criteria: Invitae Variant Classification Sherloc (09022015). Collection method: clinical testing. Allele origin: germline.
Comment: This sequence change affects an acceptor splice site in intron 17 of the MYH11 gene. It is expected to disrupt RNA splicing. Variants that disrupt the donor or acceptor splice site typically lead to a loss of protein function (PMID: 16199547), and loss-of-function variants in MYH11 are known to be pathogenic (PMID: 25407000, 29575632). This variant is not present in population databases (gnomAD no frequency). This variant has not been reported in the literature in individuals affected with MYH11-related conditions. ClinVar contains an entry for this variant (Variation ID: 2563065). Algorithms developed to predict the effect of sequence changes on RNA splicing suggest that this variant may disrupt the consensus splice site. In summary, the currently available evidence indicates that the variant is pathogenic, but additional data are needed to prove that conclusively. Therefore, this variant has been classified as Likely Pathogenic.

All of Us Research Program, National Institutes of Health
Classification: Uncertain significance for Familial thoracic aortic aneurysm and aortic dissection. Last evaluated: 2023-12-01. Review status: criteria provided, single submitter. Criteria: ACMG Guidelines, 2015. Collection method: clinical testing. Allele origin: germline. Inheritance: Autosomal dominant inheritance. Observed: 1 variant allele, 1 heterozygote.
Comment: This study involves interpretation of variants in research participants for the purpose of population health screening. Participant phenotype was not available at the time of variant classification. Additional details can be found in publication PMID: 35346344, PMCID: PMC8962531

Ambry Genetics
Classification: Uncertain significance for Familial thoracic aortic aneurysm and aortic dissection. Last evaluated: 2023-04-11. Review status: criteria provided, single submitter. Criteria: Ambry Variant Classification Scheme 2023. Collection method: clinical testing. Allele origin: germline.
Comment: The c.2059-1G>A intronic variant results from a G to A substitution one nucleotide upstream from coding exon 16 of the MYH11 gene. This nucleotide position is highly conserved in available vertebrate species. In silico splice site analysis predicts that this alteration will weaken the native splice acceptor site and will result in the creation or strengthening of a novel splice acceptor site. Alterations that disrupt the canonical splice site are expected to cause aberrant splicing, resulting in an abnormal protein or a transcript that is subject to nonsense-mediated mRNA decay. However, loss of function of MYH11 has not been established as a mechanism of disease. Since supporting evidence is limited at this time, the clinical significance of this alteration remains unclear.

Literature cited by the submitters: PubMed 16199547 (cited by Labcorp Genetics (formerly Invitae), Labcorp); PubMed 25407000 (cited by Labcorp Genetics (formerly Invitae), Labcorp); PubMed 29575632 (cited by Labcorp Genetics (formerly Invitae), Labcorp).